The following is an entry in ClinVar:

NM_002439.5(MSH3):c.739G>A (p.Val247Ile)

Gene: MSH3 (mutS homolog 3; plus strand). Cytogenetic location: 5q14.1.
Variant type: single nucleotide variant.
Coding change: c.739G>A on transcript NM_002439.5 (MANE Select); coding-DNA position 739, G replaced by A.
Protein change: p.Val247Ile; replaces valine 247 with isoleucine.
Molecular consequence: missense variant.
Genome position (GRCh38, 1-based): chr5:80,670,256, G>A. VCF-style: chr5-80670256-G-A. GRCh37 (hg19) VCF-style: chr5-79966075-G-A.
Other names: short protein forms V247I.
Identifiers: ClinVar variation 863513 (VCV000863513.12), dbSNP rs1749675199, ClinGen allele CA360266912.

ClinVar aggregate classification (germline): Conflicting classifications of pathogenicity. Review status: criteria provided, conflicting classifications (1 of 4 stars). 3 submissions from 3 submitters: Uncertain significance (2); Likely benign (1). Last evaluated 2025-12-11.

Conditions:
Hereditary cancer-predisposing syndrome. Also called: Hereditary Cancer Syndrome; Tumor predisposition; Neoplastic Syndromes, Hereditary; Hereditary neoplastic syndrome. Identifiers: Orphanet 140162, MedGen C0027672, MeSH D009386, MONDO:0015356.

Allele frequency attached by ClinVar (database versions not stated): gnomAD exomes below 0.00001.
gnomAD v4.1: 1 of 1,614,138 alleles (0.000062%); highest among the groups gnomAD compares: Non-Finnish European, 0.000085%; no homozygotes.

Submissions (3):

Ambry Genetics
Classification: Likely benign for Hereditary cancer-predisposing syndrome. Last evaluated: 2025-12-11. Review status: criteria provided, single submitter. Criteria: Ambry Variant Classification Scheme 2023. Collection method: clinical testing. Allele origin: germline.

Labcorp Genetics (formerly Invitae), Labcorp
Classification: Uncertain significance. Last evaluated: 2025-09-22. Review status: criteria provided, single submitter. Criteria: Invitae Variant Classification Sherloc (09022015). Collection method: clinical testing. Allele origin: germline.
Comment: This sequence change replaces valine, which is neutral and non-polar, with isoleucine, which is neutral and non-polar, at codon 247 of the MSH3 protein (p.Val247Ile). This variant is not present in population databases (gnomAD no frequency). This variant has not been reported in the literature in individuals affected with MSH3-related conditions. ClinVar contains an entry for this variant (Variation ID: 863513). An algorithm developed to predict the effect of missense changes on protein structure and function outputs the following: PolyPhen-2: "Benign". The isoleucine amino acid residue is found in multiple mammalian species, which suggests that this missense change does not adversely affect protein function. In summary, the available evidence is currently insufficient to determine the role of this variant in disease. Therefore, it has been classified as a Variant of Uncertain Significance.

Quest Diagnostics Nichols Institute San Juan Capistrano
Classification: Uncertain significance. Last evaluated: 2024-02-12. Review status: criteria provided, single submitter. Criteria: Quest Diagnostics criteria. Collection method: clinical testing. Allele origin: unknown.
Comment: The MSH3 c.739G>A (p.Val247Ile) variant has not been reported in individuals with MSH3-related conditions in the published literature. It also has not been reported in large, multi-ethnic general populations (Genome Aggregation Database). Analysis of this variant using bioinformatics tools for the prediction of the effect of amino acid changes on protein structure and function yielded predictions that this variant is benign. Based on the available information, we are unable to determine the clinical significance of this variant.